The following is an entry in ClinVar:

ClinVar aggregate classification (germline): Uncertain significance. Review status: criteria provided, multiple submitters, no conflicts (2 of 4 stars). 5 submissions from 5 submitters: Uncertain significance (5). Last evaluated 2025-10-06.

Conditions:
PDGFRA-related disorder. Also called: PDGFRA-related condition.
Hereditary cancer-predisposing syndrome. Also called: Neoplastic Syndromes, Hereditary; Tumor predisposition; Hereditary Cancer Syndrome; Hereditary neoplastic syndrome. Identifiers: Orphanet 140162, MedGen C0027672, MeSH D009386, MONDO:0015356.
Gastrointestinal stromal tumor. Also called: Gastrointestinal stroma tumor; Gastrointestinal stromal tumor, somatic. Identifiers: Orphanet 44890, MedGen C0238198, MeSH D046152, MONDO:0011719, OMIM 606764, HP:0100723.

Allele frequency attached by ClinVar (database versions not stated): gnomAD exomes below 0.00001; TOPMed 0.00001.
gnomAD v4.1: 1 of 1,614,050 alleles (0.000062%); highest among the groups gnomAD compares: Non-Finnish European, 0.000085%; no homozygotes.

Submissions (5):

Labcorp Genetics (formerly Invitae), Labcorp
Classification: Uncertain significance for Gastrointestinal stromal tumor. Last evaluated: 2025-10-06. Review status: criteria provided, single submitter. Criteria: Invitae Variant Classification Sherloc (09022015). Collection method: clinical testing. Allele origin: germline.
Comment: This sequence change replaces isoleucine, which is neutral and non-polar, with valine, which is neutral and non-polar, at codon 565 of the PDGFRA protein (p.Ile565Val). This variant is present in population databases (no rsID available, gnomAD 0.0009%). This variant has not been reported in the literature in individuals affected with PDGFRA-related conditions. ClinVar contains an entry for this variant (Variation ID: 567602). An algorithm developed to predict the effect of missense changes on protein structure and function (PolyPhen-2) suggests that this variant is likely to be tolerated. In summary, the available evidence is currently insufficient to determine the role of this variant in disease. Therefore, it has been classified as a Variant of Uncertain Significance.

PreventionGenetics, part of Exact Sciences
Classification: Uncertain significance for PDGFRA-related condition. Last evaluated: 2025-05-12. Review status: criteria provided, single submitter. Criteria: ACMG Guidelines, 2015. Collection method: clinical testing. Allele origin: germline.
Comment: The PDGFRA c.1693A>G variant is predicted to result in the amino acid substitution p.Ile565Val. To our knowledge, this variant has not been reported in the literature. This variant is reported in 0.00088% of alleles in individuals of European (Non-Finnish) descent in gnomAD and is classified as having uncertain significance in ClinVar. At this time, the clinical significance of this variant is uncertain due to the absence of conclusive functional and genetic evidence.

GeneDx
Classification: Uncertain significance. Last evaluated: 2024-06-24. Review status: criteria provided, single submitter. Criteria: GeneDx Variant Classification Process June 2021. Collection method: clinical testing. Allele origin: germline. Affected: yes.
Comment: Not observed at significant frequency in large population cohorts (gnomAD); In silico analysis indicates that this missense variant does not alter protein structure/function; Has not been previously published as pathogenic or benign to our knowledge

Ambry Genetics
Classification: Uncertain significance for Hereditary cancer-predisposing syndrome. Last evaluated: 2024-04-14. Review status: criteria provided, single submitter. Criteria: Ambry Variant Classification Scheme 2023. Collection method: clinical testing. Allele origin: germline.
Comment: The p.I565V variant (also known as c.1693A>G), located in coding exon 11 of the PDGFRA gene, results from an A to G substitution at nucleotide position 1693. The isoleucine at codon 565 is replaced by valine, an amino acid with highly similar properties. This amino acid position is conserved. In addition, this alteration is predicted to be tolerated by in silico analysis. Since supporting evidence is limited at this time, the clinical significance of this alteration remains unclear.

Blueprint Genetics
Classification: Uncertain significance. Last evaluated: 2024-02-22. Review status: criteria provided, single submitter. Criteria: ACMG Guidelines, 2015. Collection method: clinical testing. Allele origin: germline.

NM_006206.6(PDGFRA):c.1693A>G (p.Ile565Val)

Gene: PDGFRA (platelet derived growth factor receptor alpha; plus strand). Cytogenetic location: 4q12.
Variant type: single nucleotide variant.
Coding change: c.1693A>G on transcript NM_006206.6 (MANE Select); coding-DNA position 1693, A replaced by G.
Protein change: p.Ile565Val; replaces isoleucine 565 with valine.
Molecular consequence: missense variant.
Genome position (GRCh38, 1-based): chr4:54,274,880, A>G. VCF-style: chr4-54274880-A-G. GRCh37 (hg19) VCF-style: chr4-55141047-A-G.
Other names: c.1693A>G, p.Ile565Val (NM_001347827.2, NM_001347829.2); c.1768A>G, p.Ile590Val (NM_001347828.2); c.1732A>G, p.Ile578Val (NM_001347830.2); c.1693A>G (NM_006206.5); short protein forms I565V, I590V, I578V.
Identifiers: ClinVar variation 567602 (VCV000567602.18), dbSNP rs1178831870, ClinGen allele CA356893100.